The following is an entry in ClinVar:

NM_000051.4(ATM):c.5132_5139delinsAACCT (p.Thr1711_Ile1713delinsLysPro)

Gene: ATM (ATM serine/threonine kinase; plus strand). Cytogenetic location: 11q22.3.
Variant type: Indel.
Coding change: c.5132_5139delinsAACCT on transcript NM_000051.4 (MANE Select); coding-DNA positions 5132 to 5139, CCTTCATA replaced by AACCT.
Protein change: p.Thr1711_Ile1713delinsLysPro.
Molecular consequence: inframe indel.
Genome position (GRCh38, 1-based): chr11:108,299,840-108,299,847, CCTTCATA replaced by AACCT. VCF-style: chr11-108299840-CCTTCATA-AACCT. GRCh37 (hg19) VCF-style: chr11-108170567-CCTTCATA-AACCT.
Other names: c.5132_5139delinsAACCT, p.Thr1711_Ile1713delinsLysPro (NM_001351834.2).
Identifiers: ClinVar variation 1745559 (VCV001745559.2), dbSNP rs2546965345, ClinGen allele CA2580083004.

ClinVar aggregate classification (germline): Uncertain significance (1 of 4 stars; one submission).

Conditions:
Hereditary cancer-predisposing syndrome. Also called: Hereditary Cancer Syndrome; Neoplastic Syndromes, Hereditary; Tumor predisposition; Hereditary neoplastic syndrome. Identifiers: Orphanet 140162, MedGen C0027672, MeSH D009386, MONDO:0015356.

Submission:

Ambry Genetics
Classification: Uncertain significance for Hereditary cancer-predisposing syndrome. Last evaluated: 2022-08-16. Review status: criteria provided, single submitter. Criteria: Ambry Variant Classification Scheme 2023. Collection method: clinical testing. Allele origin: germline.
Comment: The c.5132_5139delCCTTCATAinsAACCT variant (also known as p.T1711_I1713delinsKP), located in coding exon 33 of the ATM gene, results from an in-frame deletion of CCTTCATA and insertion of AACCT at nucleotide positions 5132 to 5139. This results in the in-frame deletion of threonine, phenylalanine and isoleucine residues and insertion of lysine and proline residues between codons 1711 and 1713. These amino acid positions are not well conserved in available vertebrate species. Since supporting evidence is limited at this time, the clinical significance of this alteration remains unclear.